The following is an entry in ClinVar:

NM_001999.4(FBN2):c.3971T>C (p.Ile1324Thr)

Gene: FBN2 (fibrillin 2; minus strand). Cytogenetic location: 5q23.3.
Variant type: single nucleotide variant.
Coding change: c.3971T>C on transcript NM_001999.4 (MANE Select); coding-DNA position 3971, T replaced by C.
Protein change: p.Ile1324Thr; replaces isoleucine 1324 with threonine.
Molecular consequence: missense variant.
Genome position (GRCh38, 1-based): chr5:128,335,172, A>G on the plus strand (T>C on the coding strand, the complement: FBN2 is on the minus strand). VCF-style: chr5-128335172-A-G. GRCh37 (hg19) VCF-style: chr5-127670864-A-G.
Other names: short protein forms I1324T.
Identifiers: ClinVar variation 1420307 (VCV001420307.8), dbSNP rs150872093, ClinGen allele CA3395095.

ClinVar aggregate classification (germline): Uncertain significance. Review status: criteria provided, multiple submitters, no conflicts (2 of 4 stars). 2 submissions from 2 submitters: Uncertain significance (2). Last evaluated 2021-09-08.

Conditions:
Familial thoracic aortic aneurysm and aortic dissection (TAAD). Also called: Thoracic aortic aneurysms and dissections. Identifiers: Orphanet 91387, MedGen C4707243, MONDO:0019625.
Congenital contractural arachnodactyly (CCA). Also called: BEALS SYNDROME; Beals-Hecht syndrome; Arthrogryposis, distal, type 9. Identifiers: Orphanet 115, MedGen C0220668, MONDO:0007363, OMIM 121050.

Allele frequency attached by ClinVar (database versions not stated): gnomAD exomes below 0.00001 and 0.00001; ExAC 0.00001; gnomAD 0.00001; ESP Exome Variant Server 0.00008.
gnomAD v4.1: 2 of 1,613,966 alleles (0.00012%); highest among the groups gnomAD compares: Non-Finnish European, 0.00017%; no homozygotes.

Submissions (2):

Labcorp Genetics (formerly Invitae), Labcorp
Classification: Uncertain significance for Congenital contractural arachnodactyly. Last evaluated: 2021-09-08. Review status: criteria provided, single submitter. Criteria: Invitae Variant Classification Sherloc (09022015). Collection method: clinical testing. Allele origin: germline.
Comment: Algorithms developed to predict the effect of missense changes on protein structure and function are either unavailable or do not agree on the potential impact of this missense change (SIFT: "Deleterious"; PolyPhen-2: "Benign"; Align-GVGD: "Class C25"). This variant has not been reported in the literature in individuals affected with FBN2-related conditions. This variant is present in population databases (rs150872093, ExAC 0.001%). This sequence change replaces isoleucine with threonine at codon 1324 of the FBN2 protein (p.Ile1324Thr). The isoleucine residue is highly conserved and there is a moderate physicochemical difference between isoleucine and threonine. In summary, the available evidence is currently insufficient to determine the role of this variant in disease. Therefore, it has been classified as a Variant of Uncertain Significance.

Ambry Genetics
Classification: Uncertain significance for Familial thoracic aortic aneurysm and aortic dissection. Last evaluated: 2020-06-29. Review status: criteria provided, single submitter. Criteria: Ambry Variant Classification Scheme 2023. Collection method: clinical testing. Allele origin: germline.
Comment: The p.I1324T variant (also known as c.3971T>C), located in coding exon 30 of the FBN2 gene, results from a T to C substitution at nucleotide position 3971. The isoleucine at codon 1324 is replaced by threonine, an amino acid with similar properties. This amino acid position is well conserved in available vertebrate species. In addition, the in silico prediction for this alteration is inconclusive. Since supporting evidence is limited at this time, the clinical significance of this alteration remains unclear.